The following is an entry in ClinVar:

ClinVar aggregate classification (germline): Likely pathogenic (1 of 4 stars; one submission).

Conditions:
Autosomal recessive limb-girdle muscular dystrophy type 2J (LGMDR10). Also called: Limb-girdle muscular dystrophy, type 2J; MUSCULAR DYSTROPHY, LIMB-GIRDLE, AUTOSOMAL RECESSIVE 10. Identifiers: Orphanet 140922, MedGen C1837342, MONDO:0012127, OMIM 608807.
Dilated cardiomyopathy 1G (CMD1G). Identifiers: Orphanet 154, MedGen C1858763, MONDO:0011400, OMIM 604145.

Submission:

Labcorp Genetics (formerly Invitae), Labcorp
Classification: Likely pathogenic for Dilated cardiomyopathy 1G; Autosomal recessive limb-girdle muscular dystrophy type 2J. Last evaluated: 2025-07-09. Review status: criteria provided, single submitter. Criteria: Invitae Variant Classification Sherloc (09022015). Collection method: clinical testing. Allele origin: germline.
Comment: This sequence change creates a premature translational stop signal (p.Tyr20307*) in the TTN gene. While this is not anticipated to result in nonsense mediated decay, it is expected to create a truncated TTN protein. This variant is not present in population databases (gnomAD no frequency). This variant has not been reported in the literature in individuals affected with TTN-related conditions. This variant is located in the A band of TTN (PMID: 25589632). Truncating variants in this region are significantly overrepresented in patients affected with dilated cardiomyopathy (PMID: 25589632). Truncating variants in this region have also been reported in individuals affected with autosomal recessive centronuclear myopathy (PMID: 23975875). In summary, the currently available evidence indicates that the variant is pathogenic, but additional data are needed to prove that conclusively. Therefore, this variant has been classified as Likely Pathogenic.

Literature cited by the submitters: PubMed 25589632; PubMed 23975875.

NM_001267550.2(TTN):c.60921T>A (p.Tyr20307Ter)

Genes: TTN (titin; minus strand), TTN-AS1 (TTN antisense RNA 1; plus strand). Cytogenetic location: 2q31.2.
Variant type: single nucleotide variant.
Coding change: c.60921T>A on transcript NM_001267550.2 (MANE Select); coding-DNA position 60921, T replaced by A.
Protein change: p.Tyr20307Ter; replaces tyrosine 20307 with a stop codon.
Molecular consequence: nonsense.
Genome position (GRCh38, 1-based): chr2:178,590,804, A>T on the plus strand (T>A on the coding strand, the complement: TTN is on the minus strand). VCF-style: chr2-178590804-A-T. GRCh37 (hg19) VCF-style: chr2-179455531-A-T.
Other names: c.55998T>A, p.Tyr18666Ter (NM_001256850.1); c.33726T>A, p.Tyr11242Ter (NM_003319.4); c.53217T>A, p.Tyr17739Ter (NM_133378.4); c.34101T>A, p.Tyr11367Ter (NM_133432.3); c.34302T>A, p.Tyr11434Ter (NM_133437.4); short protein forms Y11242*, Y11434*, Y18666*, Y17739*, Y11367*, Y20307*.
Identifiers: ClinVar variation 4785523 (VCV004785523.1).